The following is an entry in ClinVar:

NM_001278116.2(L1CAM):c.2285C>T (p.Pro762Leu)

Gene: L1CAM (L1 cell adhesion molecule; minus strand). Cytogenetic location: Xq28.
Variant type: single nucleotide variant.
Coding change: c.2285C>T on transcript NM_001278116.2 (MANE Select); coding-DNA position 2285, C replaced by T.
Protein change: p.Pro762Leu; replaces proline 762 with leucine.
Molecular consequence: missense variant.
Genome position (GRCh38, 1-based): chrX:153,866,795, G>A on the plus strand (C>T on the coding strand, the complement: L1CAM is on the minus strand). VCF-style: chrX-153866795-G-A. GRCh37 (hg19) VCF-style: chrX-153132250-G-A.
Other names: c.2285C>T, p.Pro762Leu (NM_000425.5, NM_024003.3); c.2270C>T, p.Pro757Leu (NM_001143963.2); short protein forms P757L, P762L.
Identifiers: ClinVar variation 3899801 (VCV003899801.1).

ClinVar aggregate classification (germline): Uncertain significance (1 of 4 stars; one submission).

Submission:

GeneDx
Classification: Uncertain significance. Last evaluated: 2024-11-15. Review status: criteria provided, single submitter. Criteria: GeneDx Variant Classification Process June 2021. Collection method: clinical testing. Allele origin: germline. Affected: yes.
Comment: Not observed at significant frequency in large population cohorts (gnomAD); In silico analysis supports that this missense variant has a deleterious effect on protein structure/function; Has not been previously published as pathogenic or benign to our knowledge; This variant is associated with the following publications: (PMID: 25641508)